The following is an entry in ClinVar:

NM_001161352.2(KCNMA1):c.33_34del (p.Ser11fs)

Gene: KCNMA1 (potassium calcium-activated channel subfamily M alpha 1; minus strand). Cytogenetic location: 10q22.3.
Variant type: Deletion.
Coding change: c.33_34del on transcript NM_001161352.2 (MANE Select); coding-DNA positions 33 to 34, 2 bases deleted (CA; older notation c.33_34delCA).
Protein change: p.Ser11fs; shifts the reading frame from serine 11.
Molecular consequence: frameshift variant.
Genome position (GRCh38, 1-based): chr10:77,637,609-77,637,610, TG deleted on the plus strand (CA on the coding strand, the reverse complement: KCNMA1 is on the minus strand). VCF-style (leftmost placement, unchanged base first): chr10-77637608-CTG-C. GRCh37 (hg19) VCF-style: chr10-79397366-CTG-C.
Other names: c.33_34del, p.Ser11fs (NM_001014797.3, NM_001161353.2, NM_001271518.2 and 13 more transcripts); short protein forms S11fs.
Identifiers: ClinVar variation 3338089 (VCV003338089.3).

ClinVar aggregate classification (germline): Likely pathogenic (0 of 4 stars; one submission).

Conditions:
Generalized epilepsy-paroxysmal dyskinesia syndrome (PNKD3). Also called: Generalized epilepsy and paroxysmal dyskinesia; Paroxysmal nonkinesigenic dyskinesia, 3, with or without generalized epilepsy. Identifiers: Orphanet 79137, MedGen C5574945, MONDO:0012276, OMIM 609446.

Submission:

Solve-RD Consortium
Classification: Likely pathogenic for Generalized epilepsy-paroxysmal dyskinesia syndrome. Last evaluated: 2022-06-01. Review status: no assertion criteria provided. Collection method: provider interpretation. Allele origin: inherited. Affected: yes.
Comment: Variant confirmed as disease-causing by referring clinical team

Variant identified during reanalysis of unsolved cases by the Solve-RD project. The Solve-RD project has received funding from the European Union’s Horizon 2020 research and innovation programme under grant agreement No 779257.

Literature cited by the submitters: PubMed 39825153.